The following is an entry in ClinVar:

ClinVar aggregate classification (germline): Pathogenic (1 of 4 stars; one submission).

gnomAD v4.1: 2 of 1,613,808 alleles (0.00012%); highest among the groups gnomAD compares: Admixed American, 0.0017%; no homozygotes.

Submission:

Labcorp Genetics (formerly Invitae), Labcorp
Classification: Pathogenic. Last evaluated: 2021-12-19. Review status: criteria provided, single submitter. Criteria: Invitae Variant Classification Sherloc (09022015). Collection method: clinical testing. Allele origin: germline.
Comment: For these reasons, this variant has been classified as Pathogenic. This variant has not been reported in the literature in individuals affected with TULP1-related conditions. This variant is present in population databases (no rsID available, gnomAD 0.003%). This sequence change creates a premature translational stop signal (p.Arg318*) in the TULP1 gene. It is expected to result in an absent or disrupted protein product. Loss-of-function variants in TULP1 are known to be pathogenic (PMID: 8606774, 10549638, 15024725, 18055821).

Literature cited by the submitters: PubMed 8606774; PubMed 10549638; PubMed 15024725; PubMed 18055821.

NM_003322.6(TULP1):c.952C>T (p.Arg318Ter)

Gene: TULP1 (TUB like protein 1; minus strand). Cytogenetic location: 6p21.31.
Variant type: single nucleotide variant.
Coding change: c.952C>T on transcript NM_003322.6 (MANE Select); coding-DNA position 952, C replaced by T.
Protein change: p.Arg318Ter; replaces arginine 318 with a stop codon.
Molecular consequence: nonsense.
Genome position (GRCh38, 1-based): chr6:35,506,050, G>A on the plus strand (C>T on the coding strand, the complement: TULP1 is on the minus strand). VCF-style: chr6-35506050-G-A. GRCh37 (hg19) VCF-style: chr6-35473827-G-A.
Other names: c.793C>T, p.Arg265Ter (NM_001289395.2); short protein forms R318*, R265*.
Identifiers: ClinVar variation 2049378 (VCV002049378.4), dbSNP rs1214001883, ClinGen allele CA363780143.